The following is an entry in ClinVar:

NM_014975.3(MAST1):c.1129A>G (p.Ile377Val)

Gene: MAST1 (microtubule associated serine/threonine kinase 1; plus strand). Cytogenetic location: 19p13.13.
Variant type: single nucleotide variant.
Coding change: c.1129A>G on transcript NM_014975.3 (MANE Select); coding-DNA position 1129, A replaced by G.
Protein change: p.Ile377Val; replaces isoleucine 377 with valine.
Molecular consequence: missense variant.
Genome position (GRCh38, 1-based): chr19:12,858,413, A>G. VCF-style: chr19-12858413-A-G. GRCh37 (hg19) VCF-style: chr19-12969227-A-G.
Other names: short protein forms I377V.
Identifiers: ClinVar variation 3674473 (VCV003674473.2).

ClinVar aggregate classification (germline): Uncertain significance (1 of 4 stars; one submission).

gnomAD v4.1: 6 of 1,613,936 alleles (0.00037%); highest among the groups gnomAD compares: Middle Eastern, 0.016%; no homozygotes.

Submission:

Labcorp Genetics (formerly Invitae), Labcorp
Classification: Uncertain significance. Last evaluated: 2024-12-07. Review status: criteria provided, single submitter. Criteria: Invitae Variant Classification Sherloc (09022015). Collection method: clinical testing. Allele origin: germline.
Comment: This sequence change replaces isoleucine, which is neutral and non-polar, with valine, which is neutral and non-polar, at codon 377 of the MAST1 protein (p.Ile377Val). This variant is present in population databases (rs752517297, gnomAD 0.004%). This variant has not been reported in the literature in individuals affected with MAST1-related conditions. Invitae Evidence Modeling of protein sequence and biophysical properties (such as structural, functional, and spatial information, amino acid conservation, physicochemical variation, residue mobility, and thermodynamic stability) indicates that this missense variant is expected to disrupt MAST1 protein function with a positive predictive value of 95%. In summary, the available evidence is currently insufficient to determine the role of this variant in disease. Therefore, it has been classified as a Variant of Uncertain Significance.